The following is an entry in ClinVar:

NM_000282.4(PCCA):c.564_567del (p.Val189fs)

Gene: PCCA (propionyl-CoA carboxylase subunit alpha; plus strand). Cytogenetic location: 13q32.3.
Variant type: Deletion.
Coding change: c.564_567del on transcript NM_000282.4 (MANE Select); coding-DNA positions 564 to 567, 4 bases deleted (GGTT; older notation c.564_567delGGTT).
Protein change: p.Val189fs; shifts the reading frame from valine 189.
Molecular consequence: frameshift variant. On other transcripts: 5 prime UTR variant (3), non-coding transcript variant (5).
Genome position (GRCh38, 1-based): chr13:100,209,427-100,209,430, GGTT deleted. VCF-style (leftmost placement, unchanged base first): chr13-100209426-AGGTT-A. GRCh37 (hg19) VCF-style: chr13-100861680-AGGTT-A.
Other names: c.486_489del, p.Val163fs (NM_001127692.3, NM_001352607.2, NM_001352608.2); c.564_567del, p.Val189fs (NM_001178004.2, NM_001352605.2, NM_001352606.2 and 1 more transcripts); c.-303_-300del (NM_001352610.2, NM_001352611.2, NM_001352612.2); short protein forms V163fs, V189fs.
Identifiers: ClinVar variation 5011730 (VCV005011730.1).

ClinVar aggregate classification (germline): Pathogenic (1 of 4 stars; one submission).

Conditions:
Propionic acidemia (PROP). Also called: GLYCINEMIA, KETOTIC; HYPERGLYCINEMIA WITH KETOACIDOSIS AND LEUKOPENIA; KETOTIC HYPERGLYCINEMIA. Identifiers: Orphanet 35, MedGen C0268579, MONDO:0011628, OMIM 606054, HP:0003571.

Submission:

Myriad Genetics, Inc.
Classification: Pathogenic for Propionic acidemia. Last evaluated: 2023-09-24. Review status: criteria provided, single submitter. Criteria: Myriad Autosomal Dominant, Autosomal Recessive and X-Linked Classification Criteria (2023). Collection method: clinical testing. Allele origin: unknown.
Comment: NM_000282.3(PCCA):c.564_567delGGTT(V189Ifs*9) is expected to be pathogenic in the context of PCCA-related propionic acidemia. This variant is predicted to lead to an abnormal or absent protein product due to the creation of a premature termination codon in PCCA, a gene where loss-of-function variants are known to be pathogenic. Please note: this variant was assessed in the context of healthy population screening.